The following is an entry in ClinVar:

ClinVar aggregate classification (germline): Uncertain significance. Review status: criteria provided, multiple submitters, no conflicts (2 of 4 stars). 4 submissions from 4 submitters: Uncertain significance (4). Last evaluated 2026-08-03.

Conditions:
RYR1-related disorder. Also called: RYR1-related condition; RYR1-related disorders. Identifiers: MedGen CN239331.
Malignant hyperthermia, susceptibility to, 1 (MHS1). Also called: Malignant hyperthermia suceptibility 1; Anesthesia related hyperthermia; Malignant hyperpyrexia; Fulminating hyperpyrexia; Pharmacogenic myopathy; RYR1-Related Malignant Hyperthermia Susceptibility. Identifiers: Orphanet 423, MedGen C2930980, MONDO:0007783, OMIM 145600.

Allele frequency attached by ClinVar (database versions not stated): ExAC 0.00001; gnomAD 0.00001 and 0.00002; gnomAD exomes 0.00001; TOPMed 0.00002; ESP Exome Variant Server 0.00008; 1000 Genomes Project 30x 0.00016; 1000 Genomes Project 0.00020.
gnomAD v4.1: 17 of 1,613,906 alleles (0.0011%); highest among the groups gnomAD compares: African/African-American, 0.004%; no homozygotes.

Submissions (4):

PreventionGenetics, part of Exact Sciences
Classification: Uncertain significance for RYR1-related condition. Last evaluated: 2026-08-03. Review status: criteria provided, single submitter. Criteria: ACMG Guidelines, 2015. Collection method: clinical testing. Allele origin: germline.
Comment: The RYR1 c.2602C>T variant is predicted to result in the amino acid substitution p.Arg868Cys. This variant has been reported in an individual with a suspected RYR1-related disorder (Supp. Table 2, Kushnir et al. 2020. PubMed ID: 32236737; internal data). This variant is reported in 0.0099% of alleles in individuals of Ashkenazi Jewish descent in gnomAD. At this time, the clinical significance of this variant is uncertain due to the absence of conclusive functional and genetic evidence.

Labcorp Genetics (formerly Invitae), Labcorp
Classification: Uncertain significance for RYR1-related disorder. Last evaluated: 2024-11-10. Review status: criteria provided, single submitter. Criteria: Invitae Variant Classification Sherloc (09022015). Collection method: clinical testing. Allele origin: germline.
Comment: This sequence change replaces arginine, which is basic and polar, with cysteine, which is neutral and slightly polar, at codon 868 of the RYR1 protein (p.Arg868Cys). The frequency data for this variant in the population databases is considered unreliable, as metrics indicate poor data quality at this position in the gnomAD database. This variant has not been reported in the literature in individuals affected with RYR1-related conditions. ClinVar contains an entry for this variant (Variation ID: 590504). Invitae Evidence Modeling of protein sequence and biophysical properties (such as structural, functional, and spatial information, amino acid conservation, physicochemical variation, residue mobility, and thermodynamic stability) has been performed for this missense variant. However, the output from this modeling did not meet the statistical confidence thresholds required to predict the impact of this variant on RYR1 protein function. In summary, the available evidence is currently insufficient to determine the role of this variant in disease. Therefore, it has been classified as a Variant of Uncertain Significance.

All of Us Research Program, National Institutes of Health
Classification: Uncertain significance for Malignant hyperthermia, susceptibility to, 1. Last evaluated: 2024-01-11. Review status: criteria provided, single submitter. Criteria: ACMG Guidelines, 2015. Collection method: clinical testing. Allele origin: germline. Inheritance: Autosomal dominant inheritance. Observed: 4 variant alleles, 4 heterozygotes.
Comment: This missense variant replaces arginine with cysteine at codon 868 of the RYR1 protein. Computational prediction is inconclusive regarding the impact of this variant on protein structure and function (internally defined REVEL score threshold 0.5 < inconclusive < 0.7, PMID: 27666373). To our knowledge, functional studies have not been reported for this variant. This variant has not been reported in individuals affected with RYR1-related disorders in the literature. This variant has been identified in 2/250950 chromosomes in the general population by the Genome Aggregation Database (gnomAD). The available evidence is insufficient to determine the role of this variant in disease conclusively. Therefore, this variant is classified as a Variant of Uncertain Significance.

This study involves interpretation of variants in research participants for the purpose of population health screening. Participant phenotype was not available at the time of variant classification. Additional details can be found in publication PMID: 35346344, PMCID: PMC8962531

Mendelics
Classification: Uncertain significance. Last evaluated: 2022-05-04. Review status: criteria provided, single submitter. Criteria: Mendelics Assertion Criteria 2019. Collection method: clinical testing. Allele origin: germline.

NM_000540.3(RYR1):c.2602C>T (p.Arg868Cys)

Gene: RYR1 (ryanodine receptor 1; plus strand). Cytogenetic location: 19q13.2.
Variant type: single nucleotide variant.
Coding change: c.2602C>T on transcript NM_000540.3 (MANE Select); coding-DNA position 2602, C replaced by T.
Protein change: p.Arg868Cys; replaces arginine 868 with cysteine.
Molecular consequence: missense variant.
Genome position (GRCh38, 1-based): chr19:38,463,447, C>T. VCF-style: chr19-38463447-C-T. GRCh37 (hg19) VCF-style: chr19-38954087-C-T.
Other names: c.2602C>T, p.Arg868Cys (NM_001042723.2); short protein forms R868C.
Identifiers: ClinVar variation 590504 (VCV000590504.10), dbSNP rs138020885, ClinGen allele CA063586.